The following is an entry in ClinVar:

NM_005732.4(RAD50):c.1184A>C (p.Asn395Thr)

Gene: RAD50 (RAD50 double strand break repair protein; plus strand). Cytogenetic location: 5q31.1.
Variant type: single nucleotide variant.
Coding change: c.1184A>C on transcript NM_005732.4 (MANE Select); coding-DNA position 1184, A replaced by C.
Protein change: p.Asn395Thr; replaces asparagine 395 with threonine.
Molecular consequence: missense variant.
Genome position (GRCh38, 1-based): chr5:132,588,819, A>C. VCF-style: chr5-132588819-A-C. GRCh37 (hg19) VCF-style: chr5-131924511-A-C.
Other names: c.1184A>C (NM_005732.3); short protein forms N395T.
Identifiers: ClinVar variation 1059236 (VCV001059236.10), dbSNP rs1750644937, ClinGen allele CA360942831.

ClinVar aggregate classification (germline): Uncertain significance. Review status: criteria provided, multiple submitters, no conflicts (2 of 4 stars). 2 submissions from 2 submitters: Uncertain significance (2). Last evaluated 2024-09-30.

Conditions:
Hereditary cancer-predisposing syndrome. Also called: Neoplastic Syndromes, Hereditary; Hereditary Cancer Syndrome; Hereditary neoplastic syndrome; Tumor predisposition. Identifiers: Orphanet 140162, MedGen C0027672, MeSH D009386, MONDO:0015356.

Submissions (2):

Ambry Genetics
Classification: Uncertain significance for Hereditary cancer-predisposing syndrome. Last evaluated: 2024-09-30. Review status: criteria provided, single submitter. Criteria: Ambry Variant Classification Scheme 2023. Collection method: clinical testing. Allele origin: germline.
Comment: The p.N395T variant (also known as c.1184A>C), located in coding exon 8 of the RAD50 gene, results from an A to C substitution at nucleotide position 1184. The asparagine at codon 395 is replaced by threonine, an amino acid with similar properties. This amino acid position is conserved. In addition, this alteration is predicted to be tolerated by in silico analysis. Based on the available evidence, the clinical significance of this variant remains unclear.

Labcorp Genetics (formerly Invitae), Labcorp
Classification: Uncertain significance for Hereditary cancer-predisposing syndrome. Last evaluated: 2023-06-16. Review status: criteria provided, single submitter. Criteria: Invitae Variant Classification Sherloc (09022015). Collection method: clinical testing. Allele origin: germline.
Comment: Advanced modeling of protein sequence and biophysical properties (such as structural, functional, and spatial information, amino acid conservation, physicochemical variation, residue mobility, and thermodynamic stability) performed at Invitae indicates that this missense variant is not expected to disrupt RAD50 protein function. ClinVar contains an entry for this variant (Variation ID: 1059236). This variant has not been reported in the literature in individuals affected with RAD50-related conditions. This variant is not present in population databases (gnomAD no frequency). This sequence change replaces asparagine, which is neutral and polar, with threonine, which is neutral and polar, at codon 395 of the RAD50 protein (p.Asn395Thr). In summary, the available evidence is currently insufficient to determine the role of this variant in disease. Therefore, it has been classified as a Variant of Uncertain Significance.